The following is an entry in ClinVar:

ClinVar aggregate classification (germline): Likely pathogenic (1 of 4 stars; one submission).

Submission:

Quest Diagnostics Nichols Institute San Juan Capistrano
Classification: Likely pathogenic. Last evaluated: 2024-08-05. Review status: criteria provided, single submitter. Criteria: Quest Diagnostics criteria. Collection method: clinical testing. Allele origin: unknown.
Comment: The BRCA1 c.5225dup (p.Asn1742Lysfs*88) variant alters the translational reading frame of the BRCA1 mRNA and is predicted to cause the premature termination of BRCA1 protein synthesis. This variant has not been reported in individuals with BRCA1-related conditions in the published literature. This variant has not been reported in large, multi-ethnic general populations (Genome Aggregation Database). Based on the available information, this variant is classified as likely pathogenic.

NM_007294.4(BRCA1):c.5225dup (p.Asn1742fs)

Gene: BRCA1 (BRCA1 DNA repair associated; minus strand). Cytogenetic location: 17q21.31.
Variant type: Duplication.
Coding change: c.5225dup on transcript NM_007294.4 (MANE Select); coding-DNA position 5225, one base duplicated (A; older notation c.5225dupA).
Protein change: p.Asn1742fs; shifts the reading frame from asparagine 1742.
Molecular consequence: frameshift variant.
Genome position (GRCh38, 1-based): chr17:43,057,104, T duplicated on the plus strand (A on the coding strand, the reverse complement: BRCA1 is on the minus strand); the first of 2 consecutive T bases (chr17:43,057,104-43,057,105); duplicating either gives the same sequence. VCF-style (leftmost placement, unchanged base first): chr17-43057103-A-AT. GRCh37 (hg19) VCF-style: chr17-41209120-A-AT.
Other names: c.5012dup, p.Asn1671fs (NM_001407571.1, NM_001407894.1, NM_001407895.1 and 12 more transcripts); c.5291dup, p.Asn1764fs (NM_001407581.1, NM_001407582.1); c.5288dup, p.Asn1763fs (NM_001407583.1, NM_001407585.1, NM_001407587.1 and 1 more transcripts); c.5285dup, p.Asn1762fs (NM_001407590.1, NM_001407591.1); c.5225dup, p.Asn1742fs (NM_001407593.1, NM_001407594.1, NM_001407596.1 and 7 more transcripts); c.5222dup, p.Asn1741fs (NM_001407610.1, NM_001407611.1, NM_001407612.1 and 17 more transcripts); c.5219dup, p.Asn1740fs (NM_001407627.1, NM_001407628.1, NM_001407629.1 and 14 more transcripts); c.5216dup, p.Asn1739fs (NM_001407644.1, NM_001407645.1); and 73 more; short protein forms N1573fs, N1588fs, N1629fs, N1631fs, N1652fs, N1654fs, N1670fs, N1698fs.
Identifiers: ClinVar variation 3572272 (VCV003572272.1).